The following is an entry in ClinVar:

NM_020751.3(COG6):c.*889T>A

Gene: COG6 (component of oligomeric golgi complex 6; plus strand). Cytogenetic location: 13q14.11.
Variant type: single nucleotide variant.
Coding change: c.*889T>A on transcript NM_020751.3 (MANE Select); 889 bases downstream of the stop codon, T replaced by A.
Molecular consequence: 3 prime UTR variant. On other transcripts: non-coding transcript variant (1), intron variant (1).
Genome position (GRCh38, 1-based): chr13:39,751,982, T>A. VCF-style: chr13-39751982-T-A. GRCh37 (hg19) VCF-style: chr13-40326119-T-A.
Other names: c.1826+24434T>A (NM_001145079.2).
Identifiers: ClinVar variation 882006 (VCV000882006.4), dbSNP rs374465943, ClinGen allele CA6958913.

ClinVar aggregate classification (germline): Likely benign (1 of 4 stars; one submission).

Conditions:
COG6-congenital disorder of glycosylation. Also called: CONGENITAL DISORDER OF GLYCOSYLATION, TYPE IIl; CDG IIl; COG6-ongenital disorder of glycosylation; COG6-CGD. Identifiers: Orphanet 464443, MedGen C3553230, MONDO:0013810, OMIM 614576.

Allele frequency attached by ClinVar (database versions not stated): ExAC 0.00019; 1000 Genomes Project 30x 0.00078; 1000 Genomes Project 0.00100; TOPMed 0.00209.

Submission:

Illumina Laboratory Services, Illumina
Classification: Likely benign for COG6-congenital disorder of glycosylation. Last evaluated: 2018-01-13. Review status: criteria provided, single submitter. Criteria: ICSL Variant Classification Criteria 13 December 2019. Collection method: clinical testing. Allele origin: germline.
Comment: This variant was observed in the ICSL laboratory as part of a predisposition screen in an ostensibly healthy population. It had not been previously curated by ICSL or reported in the Human Gene Mutation Database (HGMD: prior to June 1st, 2018), and was therefore a candidate for classification through an automated scoring system. Utilizing variant allele frequency, disease prevalence and penetrance estimates, and inheritance mode, an automated score was calculated to assess if this variant is too frequent to cause the disease. Based on the score and internal cut-off values, a variant classified as likely benign is not then subjected to further curation. The score for this variant resulted in a classification of likely benign for this disease.